The following is an entry in ClinVar:

ClinVar aggregate classification (germline): Uncertain significance (1 of 4 stars; one submission).

Allele frequency attached by ClinVar (database versions not stated): gnomAD exomes 0.00001.
gnomAD v4.1: 3 of 1,614,168 alleles (0.00019%); highest among the groups gnomAD compares: Non-Finnish European, 0.00025%; no homozygotes.

Submission:

Labcorp Genetics (formerly Invitae), Labcorp
Classification: Uncertain significance. Last evaluated: 2023-05-23. Review status: criteria provided, single submitter. Criteria: Invitae Variant Classification Sherloc (09022015). Collection method: clinical testing. Allele origin: germline.
Comment: In summary, the available evidence is currently insufficient to determine the role of this variant in disease. Therefore, it has been classified as a Variant of Uncertain Significance. An algorithm developed to predict the effect of missense changes on protein structure and function (PolyPhen-2) suggests that this variant is likely to be disruptive. This variant has not been reported in the literature in individuals affected with ADGRE2-related conditions. This variant is present in population databases (no rsID available, gnomAD 0.0009%). This sequence change replaces glutamine, which is neutral and polar, with leucine, which is neutral and non-polar, at codon 737 of the ADGRE2 protein (p.Gln737Leu).

NM_013447.4(ADGRE2):c.2210A>T (p.Gln737Leu)

Gene: ADGRE2 (adhesion G protein-coupled receptor E2; minus strand). Cytogenetic location: 19p13.12.
Variant type: single nucleotide variant.
Coding change: c.2210A>T on transcript NM_013447.4 (MANE Select); coding-DNA position 2210, A replaced by T.
Protein change: p.Gln737Leu; replaces glutamine 737 with leucine.
Molecular consequence: missense variant.
Genome position (GRCh38, 1-based): chr19:14,743,758, T>A on the plus strand (A>T on the coding strand, the complement: ADGRE2 is on the minus strand). VCF-style: chr19-14743758-T-A. GRCh37 (hg19) VCF-style: chr19-14854570-T-A.
Other names: c.2036A>T, p.Gln679Leu (NM_001271052.1); c.2063A>T, p.Gln688Leu (NM_152916.2); c.1931A>T, p.Gln644Leu (NM_152917.2); short protein forms Q737L, Q644L, Q679L, Q688L.
Identifiers: ClinVar variation 2999363 (VCV002999363.3), dbSNP rs1160381596, ClinGen allele CA404451405.